The following is an entry in ClinVar:

ClinVar aggregate classification (germline): Uncertain significance (1 of 4 stars; one submission).

Submission:

GeneDx
Classification: Uncertain significance. Last evaluated: 2025-10-22. Review status: criteria provided, single submitter. Criteria: GeneDx Variant Classification Process June 2021. Collection method: clinical testing. Allele origin: germline.
Comment: Not observed at significant frequency in large population cohorts (gnomAD); In silico analysis supports that this missense variant has a deleterious effect on protein structure/function; Has not been previously published as pathogenic or benign to our knowledge

NM_014516.4(CNOT3):c.418G>A (p.Asp140Asn)

Gene: CNOT3 (CCR4-NOT transcription complex subunit 3; plus strand). Cytogenetic location: 19q13.42.
Variant type: single nucleotide variant.
Coding change: c.418G>A on transcript NM_014516.4 (MANE Select); coding-DNA position 418, G replaced by A.
Protein change: p.Asp140Asn; replaces aspartic acid 140 with asparagine.
Molecular consequence: missense variant.
Genome position (GRCh38, 1-based): chr19:54,144,267, G>A. VCF-style: chr19-54144267-G-A. GRCh37 (hg19) VCF-style: chr19-54648003-G-A.
Other names: short protein forms D140N.
Identifiers: ClinVar variation 3900086 (VCV003900086.2).